The following is an entry in ClinVar:

NM_080680.3(COL11A2):c.983A>G (p.Gln328Arg)

Gene: COL11A2 (collagen type XI alpha 2 chain; minus strand). Cytogenetic location: 6p21.32.
Variant type: single nucleotide variant.
Coding change: c.983A>G on transcript NM_080680.3 (MANE Select); coding-DNA position 983, A replaced by G.
Protein change: p.Gln328Arg; replaces glutamine 328 with arginine.
Molecular consequence: missense variant. On other transcripts: intron variant (5).
Genome position (GRCh38, 1-based): chr6:33,184,281, T>C on the plus strand (A>G on the coding strand, the complement: COL11A2 is on the minus strand). VCF-style: chr6-33184281-T-C. GRCh37 (hg19) VCF-style: chr6-33152058-T-C.
Other names: c.137A>G, p.Gln46Arg (NM_001424109.1); c.93+711A>G (NM_001424111.1, NM_001424110.1); c.798+2346A>G (NM_080679.3); c.861+711A>G (NM_080681.3); c.939+711A>G (NM_001424108.1); short protein forms Q328R, Q46R.
Identifiers: ClinVar variation 3902295 (VCV003902295.1).
Genomic context (GRCh38, chr6:33,184,281, plus strand): 5'-TAGGTGTAATCGTAGGGCCCTTCAGGGGGGTCTGTGCCACCCTCCCCATATTCCTCTGCC[T>C]GGAACCTGTCGGCTGTGGGGGGGACCTGGAGATCTGTCTGCTCCTTCCCAGGGATGGGGA-3'
Protein context (NP_542411.2, residues 318-338): LQVPPTADRF[Gln328Arg]AEEYGEGGTD

ClinVar aggregate classification (germline): Uncertain significance (1 of 4 stars; one submission).

Submission:

Women's Health and Genetics/Laboratory Corporation of America, LabCorp
Classification: Uncertain significance. Last evaluated: 2025-05-12. Review status: criteria provided, single submitter. Criteria: LabCorp Variant Classification Summary - May 2015. Collection method: clinical testing. Allele origin: germline.
Comment: Variant summary: COL11A2 c.983A>G (p.Gln328Arg) results in a conservative amino acid change in the encoded protein sequence. Algorithms developed to predict the effect of missense changes on protein structure and function are either unavailable or do not agree on the potential impact of this missense change. The variant was absent in 251200 control chromosomes. The available data on variant occurrences in the general population are insufficient to allow any conclusion about variant significance. To our knowledge, no occurrence of c.983A>G in individuals affected with COL11A2-Related Disorders and no experimental evidence demonstrating its impact on protein function have been reported. No submitters have cited clinical-significance assessments for this variant to ClinVar. Based on the evidence outlined above, the variant was classified as uncertain significance.